The following is an entry in ClinVar:

NM_001322934.2(NFKB2):c.1584+4C>T

Gene: NFKB2 (nuclear factor kappa B subunit 2; plus strand). Cytogenetic location: 10q24.32.
Variant type: single nucleotide variant.
Coding change: c.1584+4C>T on transcript NM_001322934.2 (MANE Select); 4 bases into the intron after coding-DNA position 1584, C replaced by T.
Molecular consequence: intron variant.
Genome position (GRCh38, 1-based): chr10:102,400,198, C>T. VCF-style: chr10-102400198-C-T. GRCh37 (hg19) VCF-style: chr10-104159955-C-T.
Other names: c.1584+4C>T (NM_001288724.1, NM_001077494.3, NM_001261403.3 and 1 more transcripts); c.1458+4C>T (NM_001322935.1).
Identifiers: ClinVar variation 1047129 (VCV001047129.6), dbSNP rs745719651, ClinGen allele CA1932654788.

ClinVar aggregate classification (germline): Uncertain significance (1 of 4 stars; one submission).

Conditions:
Immunodeficiency, common variable, 10. Also called: DEFICIT IN ANTERIOR PITUITARY FUNCTION AND VARIABLE IMMUNODEFICIENCY; IMMUNODEFICIENCY, COMMON VARIABLE, WITH CENTRAL ADRENAL INSUFFICIENCY. Identifiers: MedGen C3809991, MONDO:0014260, OMIM 615577.

Allele frequency attached by ClinVar (database versions not stated): gnomAD exomes below 0.00001.
gnomAD v4.1: 5 of 1,613,894 alleles (0.00031%); highest among the groups gnomAD compares: African/African-American, 0.0027%; no homozygotes.

Submission:

Labcorp Genetics (formerly Invitae), Labcorp
Classification: Uncertain significance for Immunodeficiency, common variable, 10. Last evaluated: 2022-08-23. Review status: criteria provided, single submitter. Criteria: Invitae Variant Classification Sherloc (09022015). Collection method: clinical testing. Allele origin: germline.
Comment: Variants that disrupt the consensus splice site are a relatively common cause of aberrant splicing (PMID: 17576681, 9536098). Algorithms developed to predict the effect of sequence changes on RNA splicing suggest that this variant is not likely to affect RNA splicing. This sequence change falls in intron 15 of the NFKB2 gene. It does not directly change the encoded amino acid sequence of the NFKB2 protein. It affects a nucleotide within the consensus splice site. This variant is not present in population databases (gnomAD no frequency). This variant has not been reported in the literature in individuals affected with NFKB2-related conditions. ClinVar contains an entry for this variant (Variation ID: 1047129). In summary, the available evidence is currently insufficient to determine the role of this variant in disease. Therefore, it has been classified as a Variant of Uncertain Significance.

Literature cited by the submitters: PubMed 17576681; PubMed 9536098.